The following is an entry in ClinVar:

NM_001024845.3(SLC6A9):c.1511G>A (p.Arg504His)

Gene: SLC6A9 (solute carrier family 6 member 9; minus strand). Cytogenetic location: 1p34.1.
Variant type: single nucleotide variant.
Coding change: c.1511G>A on transcript NM_001024845.3 (MANE Select); coding-DNA position 1511, G replaced by A.
Protein change: p.Arg504His; replaces arginine 504 with histidine.
Molecular consequence: missense variant. On other transcripts: non-coding transcript variant (1).
Genome position (GRCh38, 1-based): chr1:44,000,792, C>T on the plus strand (G>A on the coding strand, the complement: SLC6A9 is on the minus strand). VCF-style: chr1-44000792-C-T. GRCh37 (hg19) VCF-style: chr1-44466464-C-T.
Other names: c.1523G>A, p.Arg508His (NM_001261380.2); c.1178G>A, p.Arg393His (NM_001328626.2, NM_001328630.2); c.1448G>A, p.Arg483His (NM_001328627.1); c.1316G>A, p.Arg439His (NM_001328628.1); c.1511G>A, p.Arg504His (NM_001328629.1); c.1568G>A, p.Arg523His (NM_006934.4); c.1730G>A, p.Arg577His (NM_201649.4); short protein forms R483H, R523H, R393H, R439H, R504H, R508H, R577H.
Identifiers: ClinVar variation 1448856 (VCV001448856.7), dbSNP rs150135550, ClinGen allele CA817464.

ClinVar aggregate classification (germline): Uncertain significance (1 of 4 stars; one submission).

Conditions:
Atypical glycine encephalopathy. Also called: Glycine encephalopathy with normal serum glycine. Identifiers: Orphanet 289863, MedGen C4310943, MONDO:0015010, OMIM 617301.

Allele frequency attached by ClinVar (database versions not stated): gnomAD exomes 0.00001 and 0.00002; TOPMed 0.00001; ExAC 0.00002; ESP Exome Variant Server 0.00008.

Submission:

Labcorp Genetics (formerly Invitae), Labcorp
Classification: Uncertain significance for Atypical glycine encephalopathy. Last evaluated: 2025-06-16. Review status: criteria provided, single submitter. Criteria: Invitae Variant Classification Sherloc (09022015). Collection method: clinical testing. Allele origin: germline.
Comment: This sequence change replaces arginine, which is basic and polar, with histidine, which is basic and polar, at codon 577 of the SLC6A9 protein (p.Arg577His). This variant is present in population databases (rs150135550, gnomAD 0.008%). This variant has not been reported in the literature in individuals affected with SLC6A9-related conditions. ClinVar contains an entry for this variant (Variation ID: 1448856). An algorithm developed to predict the effect of missense changes on protein structure and function (PolyPhen-2) suggests that this variant is likely to be disruptive. In summary, the available evidence is currently insufficient to determine the role of this variant in disease. Therefore, it has been classified as a Variant of Uncertain Significance.